The following is an entry in ClinVar:

NM_001008537.3(NEXMIF):c.206C>T (p.Ser69Phe)

Gene: NEXMIF (neurite extension and migration factor; minus strand). Cytogenetic location: Xq13.3.
Variant type: single nucleotide variant.
Coding change: c.206C>T on transcript NM_001008537.3 (MANE Select); coding-DNA position 206, C replaced by T.
Protein change: p.Ser69Phe; replaces serine 69 with phenylalanine.
Molecular consequence: missense variant.
Genome position (GRCh38, 1-based): chrX:74,744,351, G>A on the plus strand (C>T on the coding strand, the complement: NEXMIF is on the minus strand). VCF-style: chrX-74744351-G-A. GRCh37 (hg19) VCF-style: chrX-73964186-G-A.
Other names: short protein forms S69F.
Identifiers: ClinVar variation 435604 (VCV000435604.17), dbSNP rs201351157, ClinGen allele CA10455239.

ClinVar aggregate classification (germline): Conflicting classifications of pathogenicity. Review status: criteria provided, conflicting classifications (1 of 4 stars). 3 submissions from 3 submitters: Uncertain significance (1); Likely benign (2). Last evaluated 2025-05-26.

Allele frequency attached by ClinVar (database versions not stated): gnomAD 0.00014; TOPMed 0.00014; 1000 Genomes Project 30x 0.00021; 1000 Genomes Project 0.00026.
gnomAD v4.1: 160 of 1,209,734 alleles (0.013%); highest among the groups gnomAD compares: Non-Finnish European, 0.017%; no homozygotes.

Submissions (3):

Labcorp Genetics (formerly Invitae), Labcorp
Classification: Likely benign. Last evaluated: 2025-05-26. Review status: criteria provided, single submitter. Criteria: Invitae Variant Classification Sherloc (09022015). Collection method: clinical testing. Allele origin: germline.

GeneDx
Classification: Likely benign. Last evaluated: 2019-09-24. Review status: criteria provided, single submitter. Criteria: GeneDx Variant Classification Process June 2021. Collection method: clinical testing. Allele origin: germline. Affected: yes.
Comment: In silico analysis, which includes protein predictors and evolutionary conservation, supports that this variant does not alter protein structure/function

Genetic Services Laboratory, University of Chicago
Classification: Uncertain significance. Last evaluated: 2015-10-20. Review status: criteria provided, single submitter. Criteria: ACMG Guidelines, 2015. Collection method: clinical testing. Allele origin: germline. Affected: no.